The following is an entry in ClinVar:

ClinVar aggregate classification (germline): Uncertain significance. Review status: criteria provided, multiple submitters, no conflicts (2 of 4 stars). 2 submissions from 2 submitters: Uncertain significance (2). Last evaluated 2025-09-26.

Conditions:
Hereditary cancer-predisposing syndrome. Also called: Neoplastic Syndromes, Hereditary; Tumor predisposition; Hereditary Cancer Syndrome; Hereditary neoplastic syndrome. Identifiers: Orphanet 140162, MedGen C0027672, MeSH D009386, MONDO:0015356.
Familial cancer of breast. Also called: BREAST CANCER, FAMILIAL; Hereditary breast cancer; hereditary breast carcinoma. Identifiers: Orphanet 227535, MedGen C0346153, MONDO:0016419, OMIM 114480. Disease mechanism: loss of function.

Allele frequency attached by ClinVar (database versions not stated): gnomAD exomes below 0.00001.
gnomAD v4.1: 1 of 1,613,828 alleles (0.000062%); highest among the groups gnomAD compares: Non-Finnish European, 0.000085%; no homozygotes.

Submissions (2):

Ambry Genetics
Classification: Uncertain significance for Hereditary cancer-predisposing syndrome. Last evaluated: 2025-09-26. Review status: criteria provided, single submitter. Criteria: Ambry Variant Classification Scheme 2023. Collection method: clinical testing. Allele origin: germline.
Comment: The p.D535G variant (also known as c.1604A>G), located in coding exon 7 of the BARD1 gene, results from an A to G substitution at nucleotide position 1604. The aspartic acid at codon 535 is replaced by glycine, an amino acid with similar properties. This amino acid position is not well conserved in available vertebrate species. In addition, the in silico prediction for this alteration is inconclusive. Since supporting evidence is limited at this time, the clinical significance of this alteration remains unclear.

Labcorp Genetics (formerly Invitae), Labcorp
Classification: Uncertain significance for Familial cancer of breast. Last evaluated: 2022-02-03. Review status: criteria provided, single submitter. Criteria: Invitae Variant Classification Sherloc (09022015). Collection method: clinical testing. Allele origin: germline.
Comment: Algorithms developed to predict the effect of missense changes on protein structure and function (SIFT, PolyPhen-2, Align-GVGD) all suggest that this variant is likely to be tolerated. ClinVar contains an entry for this variant (Variation ID: 819627). This variant has not been reported in the literature in individuals affected with BARD1-related conditions. This variant is not present in population databases (gnomAD no frequency). This sequence change replaces aspartic acid, which is acidic and polar, with glycine, which is neutral and non-polar, at codon 535 of the BARD1 protein (p.Asp535Gly). Algorithms developed to predict the effect of sequence changes on RNA splicing suggest that this variant may create or strengthen a splice site. In summary, the available evidence is currently insufficient to determine the role of this variant in disease. Therefore, it has been classified as a Variant of Uncertain Significance.

NM_000465.4(BARD1):c.1604A>G (p.Asp535Gly)

Gene: BARD1 (BRCA1 associated RING domain 1; minus strand). Cytogenetic location: 2q35.
Variant type: single nucleotide variant.
Coding change: c.1604A>G on transcript NM_000465.4 (MANE Select); coding-DNA position 1604, A replaced by G.
Protein change: p.Asp535Gly; replaces aspartic acid 535 with glycine.
Molecular consequence: missense variant. On other transcripts: non-coding transcript variant (3), intron variant (1).
Genome position (GRCh38, 1-based): chr2:214,752,520, T>C on the plus strand (A>G on the coding strand, the complement: BARD1 is on the minus strand). VCF-style: chr2-214752520-T-C. GRCh37 (hg19) VCF-style: chr2-215617244-T-C.
Other names: c.1547A>G, p.Asp516Gly (NM_001282543.2); c.251A>G, p.Asp84Gly (NM_001282545.2); c.194A>G, p.Asp65Gly (NM_001282548.2); c.365-22012A>G (NM_001282549.2); short protein forms D65G, D516G, D535G, D84G.
Identifiers: ClinVar variation 819627 (VCV000819627.10), dbSNP rs1574756445, ClinGen allele CA350454914.
Genomic context (GRCh38, chr2:214,752,520, plus strand): 5'-CTAGCTGAGGATGATTCATTCTTCTCTGGTAGCAGCAATAGCGATTTCATACTTTCATCA[T>C]CTGTATAATCGACAGGCCGCAGACCAAATATATTACTGGTAAAATAAGTGCAGATGTGTT-3'
Protein context (NP_000456.2, residues 525-545): IFGLRPVDYT[Asp535Gly]DESMKSLLLL